The following is an entry in ClinVar:

ClinVar aggregate classification (germline): Uncertain significance (1 of 4 stars; one submission).

Conditions:
Neuropathy, hereditary sensory, type 2C. Also called: KIF1A-Related HSAN2 (HSAN2C); Hereditary sensory and autonomic neuropathy type IIC. Identifiers: Orphanet 970, MedGen C3280168, MONDO:0013634, OMIM 614213.
Hereditary spastic paraplegia 30. Identifiers: Orphanet 101010, MedGen C5235139, MONDO:0012476.
Intellectual disability, autosomal dominant 9 (NESCAVS). Also called: NESCAV SYNDROME; KIF1A-Related Neurodevelopmental Disorder. Identifiers: Orphanet 662367, MedGen C5393830, MONDO:0013656, OMIM 614255.

Submission:

Labcorp Genetics (formerly Invitae), Labcorp
Classification: Uncertain significance for Hereditary spastic paraplegia 30; Neuropathy, hereditary sensory, type 2C; Intellectual disability, autosomal dominant 9. Last evaluated: 2023-07-12. Review status: criteria provided, single submitter. Criteria: Invitae Variant Classification Sherloc (09022015). Collection method: clinical testing. Allele origin: germline.
Comment: This sequence change replaces alanine, which is neutral and non-polar, with serine, which is neutral and polar, at codon 1624 of the KIF1A protein (p.Ala1624Ser). This variant is not present in population databases (gnomAD no frequency). This variant has not been reported in the literature in individuals affected with KIF1A-related conditions. Advanced modeling of protein sequence and biophysical properties (such as structural, functional, and spatial information, amino acid conservation, physicochemical variation, residue mobility, and thermodynamic stability) performed at Invitae indicates that this missense variant is not expected to disrupt KIF1A protein function. In summary, the available evidence is currently insufficient to determine the role of this variant in disease. Therefore, it has been classified as a Variant of Uncertain Significance.

NM_001244008.2(KIF1A):c.5173G>T (p.Ala1725Ser)

Gene: KIF1A (kinesin family member 1A; minus strand). Cytogenetic location: 2q37.3.
Variant type: single nucleotide variant.
Coding change: c.5173G>T on transcript NM_001244008.2 (MANE Select); coding-DNA position 5173, G replaced by T.
Protein change: p.Ala1725Ser; replaces alanine 1725 with serine.
Molecular consequence: missense variant.
Genome position (GRCh38, 1-based): chr2:240,719,047, C>A on the plus strand (G>T on the coding strand, the complement: KIF1A is on the minus strand). VCF-style: chr2-240719047-C-A. GRCh37 (hg19) VCF-style: chr2-241658464-C-A.
Other names: c.4897G>T, p.Ala1633Ser (NM_001320705.2, NM_001379649.1); c.4924G>T, p.Ala1642Ser (NM_001330289.2); c.4972G>T, p.Ala1658Ser (NM_001330290.2, NM_001379648.1); c.5248G>T, p.Ala1750Ser (NM_001379631.1); c.5149G>T, p.Ala1717Ser (NM_001379632.1); c.5146G>T, p.Ala1716Ser (NM_001379633.1, NM_001379645.1); c.4999G>T, p.Ala1667Ser (NM_001379634.1); c.4996G>T, p.Ala1666Ser (NM_001379635.1, NM_001379646.1); and 7 more; short protein forms A1632S, A1633S, A1642S, A1666S, A1649S, A1725S, A1750S, A1658S.
Identifiers: ClinVar variation 2949794 (VCV002949794.3), dbSNP rs2536592705, ClinGen allele CA351298043.